The following is an entry in ClinVar:

NM_018230.3(NUP133):c.617A>G (p.Asp206Gly)

Gene: NUP133 (nucleoporin 133; minus strand). Cytogenetic location: 1q42.13.
Variant type: single nucleotide variant.
Coding change: c.617A>G on transcript NM_018230.3 (MANE Select); coding-DNA position 617, A replaced by G.
Protein change: p.Asp206Gly; replaces aspartic acid 206 with glycine.
Molecular consequence: missense variant.
Genome position (GRCh38, 1-based): chr1:229,499,715, T>C on the plus strand (A>G on the coding strand, the complement: NUP133 is on the minus strand). VCF-style: chr1-229499715-T-C. GRCh37 (hg19) VCF-style: chr1-229635462-T-C.
Other names: short protein forms D206G.
Identifiers: ClinVar variation 3631228 (VCV003631228.2).

ClinVar aggregate classification (germline): Uncertain significance (1 of 4 stars; one submission).

gnomAD v4.1: 3 of 1,614,126 alleles (0.00019%); highest among the groups gnomAD compares: South Asian, 0.0011%; no homozygotes.

Submission:

Labcorp Genetics (formerly Invitae), Labcorp
Classification: Uncertain significance. Last evaluated: 2024-05-28. Review status: criteria provided, single submitter. Criteria: Invitae Variant Classification Sherloc (09022015). Collection method: clinical testing. Allele origin: germline.
Comment: This sequence change replaces aspartic acid, which is acidic and polar, with glycine, which is neutral and non-polar, at codon 206 of the NUP133 protein (p.Asp206Gly). This variant is present in population databases (rs533239445, gnomAD 0.003%). This variant has not been reported in the literature in individuals affected with NUP133-related conditions. An algorithm developed to predict the effect of missense changes on protein structure and function (PolyPhen-2) suggests that this variant is likely to be disruptive. Algorithms developed to predict the effect of sequence changes on RNA splicing suggest that this variant may disrupt the consensus splice site. In summary, the available evidence is currently insufficient to determine the role of this variant in disease. Therefore, it has been classified as a Variant of Uncertain Significance.